The following is an entry in ClinVar:

ClinVar aggregate classification (germline): Uncertain significance (1 of 4 stars; one submission).

Conditions:
Hereditary cancer-predisposing syndrome. Also called: Tumor predisposition; Hereditary Cancer Syndrome; Neoplastic Syndromes, Hereditary; Hereditary neoplastic syndrome. Identifiers: Orphanet 140162, MedGen C0027672, MeSH D009386, MONDO:0015356.

Allele frequency attached by ClinVar (database versions not stated): gnomAD 0.00001.
gnomAD v4.1: 1 of 1,606,688 alleles (0.000062%); highest among the groups gnomAD compares: Non-Finnish European, 0.000085%; no homozygotes.

Submission:

Ambry Genetics
Classification: Uncertain significance for Hereditary cancer-predisposing syndrome. Last evaluated: 2026-02-09. Review status: criteria provided, single submitter. Criteria: Ambry Variant Classification Scheme 2023. Collection method: clinical testing. Allele origin: germline.
Comment: The c.215+5G>A intronic variant results from a G to A substitution 5 nucleotides after coding exon 2 in the BARD1 gene. This nucleotide position is highly conserved in available vertebrate species. In silico splice site analysis predicts that this alteration will weaken the native splice donor site. Based on the available evidence, the clinical significance of this variant remains unclear.

NM_000465.4(BARD1):c.215+5G>A

Gene: BARD1 (BRCA1 associated RING domain 1; minus strand). Cytogenetic location: 2q35.
Variant type: single nucleotide variant.
Coding change: c.215+5G>A on transcript NM_000465.4 (MANE Select); 5 bases into the intron after coding-DNA position 215, G replaced by A.
Molecular consequence: intron variant.
Genome position (GRCh38, 1-based): chr2:214,797,056, C>T on the plus strand (G>A on the coding strand, the complement: BARD1 is on the minus strand). VCF-style: chr2-214797056-C-T. GRCh37 (hg19) VCF-style: chr2-215661780-C-T.
Other names: c.158+12356G>A (NM_001282548.2); c.159-4611G>A (NM_001282543.2); c.215+5G>A (NM_001282545.2, NM_001282549.2, LRG_297t1).
Identifiers: ClinVar variation 481361 (VCV000481361.6), dbSNP rs1474711259, ClinGen allele CA539521967.